The following is an entry in ClinVar:

NM_007294.4(BRCA1):c.4557T>C (p.Asn1519=)

Gene: BRCA1 (BRCA1 DNA repair associated; minus strand). Cytogenetic location: 17q21.31.
Variant type: single nucleotide variant.
Coding change: c.4557T>C on transcript NM_007294.4 (MANE Select); coding-DNA position 4557, T replaced by C.
Protein change: p.Asn1519=; no amino-acid change (asparagine 1519 retained).
Molecular consequence: synonymous variant. On other transcripts: intron variant (3).
Genome position (GRCh38, 1-based): chr17:43,074,449, A>G on the plus strand (T>C on the coding strand, the complement: BRCA1 is on the minus strand). VCF-style: chr17-43074449-A-G. GRCh37 (hg19) VCF-style: chr17-41226466-A-G.
Other names: c.1950T>C, p.Asn650= (NM_001407969.1); c.1314T>C, p.Asn438= (NM_001407970.1, NM_001407971.1); c.1311T>C, p.Asn437= (NM_001407972.1); c.1248T>C, p.Asn416= (NM_001407973.1, NM_001407974.1, NM_001407975.1 and 3 more transcripts); c.1245T>C, p.Asn415= (NM_001407979.1, NM_001407980.1, NM_001407981.1 and 13 more transcripts); c.1242T>C, p.Asn414= (NM_001408392.1, NM_001408396.1, NM_001408397.1 and 8 more transcripts); c.1239T>C, p.Asn413= (NM_001408406.1, NM_001408407.1, NM_001408408.1); c.1236T>C, p.Asn412= (NM_001408409.1); and 71 more.
Identifiers: ClinVar variation 231584 (VCV000231584.21), dbSNP rs876659243, ClinGen allele CA10580517.

ClinVar aggregate classification (germline): Likely benign. Review status: reviewed by expert panel (3 of 4 stars). 4 submissions from 4 submitters: Likely benign (1). 3 of the submissions do not count toward it. Last evaluated 2017-06-29.

Conditions:
Hereditary breast ovarian cancer syndrome. Also called: Breast and ovarian cancer; Hereditary breast and ovarian cancer; Hereditary breast and ovarian cancer syndrome; Hereditary breast and/or ovarian cancer syndrome; BRCA1- and BRCA2-Associated Hereditary Breast and Ovarian Cancer; Hereditary breast and ovarian cancer syndrome (HBOC). Identifiers: Orphanet 145, MedGen C0677776, MeSH D061325, MONDO:0003582. Disease mechanism: loss of function.
Breast-ovarian cancer, familial, susceptibility to, 1 (BROVCA1). Also called: BRCA1 Hereditary Breast and Ovarian Cancer; OVARIAN CANCER, SUSCEPTIBILITY TO. Identifiers: Orphanet 145, MedGen C2676676, MONDO:0011450, OMIM 604370. Disease mechanism: loss of function.
Hereditary cancer-predisposing syndrome. Also called: Tumor predisposition; Hereditary Cancer Syndrome; Neoplastic Syndromes, Hereditary; Hereditary neoplastic syndrome. Identifiers: Orphanet 140162, MedGen C0027672, MeSH D009386, MONDO:0015356.

Allele frequency attached by ClinVar (database versions not stated): TOPMed 0.00002; gnomAD 0.00003; gnomAD exomes below 0.00001.
gnomAD v4.1: 7 of 1,614,010 alleles (0.00043%); highest among the groups gnomAD compares: African/African-American, 0.008%; no homozygotes.

Submissions (4):

Evidence-based Network for the Interpretation of Germline Mutant Alleles (ENIGMA)
Classification: Likely benign for Breast-ovarian cancer, familial, susceptibility to, 1. Last evaluated: 2017-06-29. Review status: reviewed by expert panel. Criteria: ENIGMA BRCA1/2 Classification Criteria (2017-06-29). Collection method: curation. Allele origin: germline.
Comment: Synonymous substitution variant, with low bioinformatic likelihood to result in a splicing aberration (Splicing prior probability 0.02).

Labcorp Genetics (formerly Invitae), Labcorp
Classification: Likely benign for Hereditary breast ovarian cancer syndrome. Last evaluated: 2025-11-10. Review status: criteria provided, single submitter. Criteria: Invitae Variant Classification Sherloc (09022015). Collection method: clinical testing. Allele origin: germline. Not counted in ClinVar's aggregate classification.

Color Diagnostics, LLC DBA Color Health
Classification: Likely benign for Hereditary cancer-predisposing syndrome. Last evaluated: 2017-01-03. Review status: criteria provided, single submitter. Criteria: ACMG Guidelines, 2015. Collection method: clinical testing. Allele origin: germline. Not counted in ClinVar's aggregate classification.

Ambry Genetics
Classification: Likely benign for Hereditary cancer-predisposing syndrome. Last evaluated: 2015-04-29. Review status: criteria provided, single submitter. Criteria: Ambry Variant Classification Scheme 2023. Collection method: clinical testing. Allele origin: germline. Not counted in ClinVar's aggregate classification.